The following is an entry in ClinVar:

NM_152703.5(SAMD9L):c.908T>C (p.Phe303Ser)

Gene: SAMD9L (sterile alpha motif domain containing 9 like; minus strand). Cytogenetic location: 7q21.2.
Variant type: single nucleotide variant.
Coding change: c.908T>C on transcript NM_152703.5 (MANE Select); coding-DNA position 908, T replaced by C.
Protein change: p.Phe303Ser; replaces phenylalanine 303 with serine.
Molecular consequence: missense variant.
Genome position (GRCh38, 1-based): chr7:93,135,064, A>G on the plus strand (T>C on the coding strand, the complement: SAMD9L is on the minus strand). VCF-style: chr7-93135064-A-G. GRCh37 (hg19) VCF-style: chr7-92764377-A-G.
Other names: c.908T>C (NM_152703.2); c.908T>C, p.Phe303Ser (NM_001303496.3, NM_001303497.3, NM_001303498.3 and 5 more transcripts); short protein forms F303S.
Identifiers: ClinVar variation 1958838 (VCV001958838.6), dbSNP rs1021622885, ClinGen allele CA161962797.
Genomic context (GRCh38, chr7:93,135,064, plus strand): 5'-ATGTAGAAATACTTATCATTACATATAGAGTGTTTTGGAATAGTATCAACTTCAATGACA[A>G]ATCTGTCAGATGGTGTATTGTTCTGCAGAAGGACTTCCACAAACCTTGGCTCCCGAATAC-3'
Protein context (NP_689916.2, residues 293-313): LLQNNTPSDR[Phe303Ser]VIEVDTIPKH

ClinVar aggregate classification (germline): Uncertain significance. Review status: criteria provided, multiple submitters, no conflicts (2 of 4 stars). 2 submissions from 2 submitters: Uncertain significance (2). Last evaluated 2024-12-20.

Conditions:
Inborn genetic diseases. Identifiers: MedGen C0950123, MeSH D030342.

Allele frequency attached by ClinVar (database versions not stated): gnomAD 0.00001; gnomAD exomes 0.00002; TOPMed 0.00002.
gnomAD v4.1: 35 of 1,613,172 alleles (0.0022%); highest among the groups gnomAD compares: Non-Finnish European, 0.0028%; no homozygotes.

Submissions (2):

Ambry Genetics
Classification: Uncertain significance for Inborn genetic diseases. Last evaluated: 2024-12-20. Review status: criteria provided, single submitter. Criteria: Ambry Variant Classification Scheme 2023. Collection method: clinical testing. Allele origin: germline.
Comment: The p.F303S variant (also known as c.908T>C), located in coding exon 1 of the SAMD9L gene, results from a T to C substitution at nucleotide position 908. The phenylalanine at codon 303 is replaced by serine, an amino acid with highly dissimilar properties. This amino acid position is conserved. In addition, the in silico prediction for this alteration is inconclusive. Based on the available evidence, the clinical significance of this variant remains unclear.

Labcorp Genetics (formerly Invitae), Labcorp
Classification: Uncertain significance. Last evaluated: 2024-12-16. Review status: criteria provided, single submitter. Criteria: Invitae Variant Classification Sherloc (09022015). Collection method: clinical testing. Allele origin: germline.
Comment: This sequence change replaces phenylalanine, which is neutral and non-polar, with serine, which is neutral and polar, at codon 303 of the SAMD9L protein (p.Phe303Ser). This variant is present in population databases (no rsID available, gnomAD 0.007%). This variant has not been reported in the literature in individuals affected with SAMD9L-related conditions. ClinVar contains an entry for this variant (Variation ID: 1958838). An algorithm developed to predict the effect of missense changes on protein structure and function (PolyPhen-2) suggests that this variant is likely to be disruptive. In summary, the available evidence is currently insufficient to determine the role of this variant in disease. Therefore, it has been classified as a Variant of Uncertain Significance.